The following is an entry in ClinVar:

NM_001042492.3(NF1):c.4214T>A (p.Val1405Glu)

Gene: NF1 (neurofibromin 1; plus strand). Cytogenetic location: 17q11.2.
Variant type: single nucleotide variant.
Coding change: c.4214T>A on transcript NM_001042492.3 (MANE Select); coding-DNA position 4214, T replaced by A.
Protein change: p.Val1405Glu; replaces valine 1405 with glutamic acid.
Molecular consequence: missense variant.
Genome position (GRCh38, 1-based): chr17:31,258,384, T>A. VCF-style: chr17-31258384-T-A. GRCh37 (hg19) VCF-style: chr17-29585402-T-A.
Other names: c.4151T>A, p.Val1384Glu (NM_000267.4); short protein forms V1405E, V1384E.
Identifiers: ClinVar variation 3404693 (VCV003404693.1).

ClinVar aggregate classification (germline): Uncertain significance (1 of 4 stars; one submission).

Conditions:
Hereditary cancer-predisposing syndrome. Also called: Hereditary Cancer Syndrome; Tumor predisposition; Hereditary neoplastic syndrome; Neoplastic Syndromes, Hereditary. Identifiers: Orphanet 140162, MedGen C0027672, MeSH D009386, MONDO:0015356.
Cardiovascular phenotype. Identifiers: MedGen CN230736.

Submission:

Ambry Genetics
Classification: Uncertain significance for Cardiovascular phenotype; Hereditary cancer-predisposing syndrome. Last evaluated: 2024-08-04. Review status: criteria provided, single submitter. Criteria: Ambry Variant Classification Scheme 2023. Collection method: clinical testing. Allele origin: germline.
Comment: The p.V1384E variant (also known as c.4151T>A), located in coding exon 31 of the NF1 gene, results from a T to A substitution at nucleotide position 4151. The valine at codon 1384 is replaced by glutamic acid, an amino acid with dissimilar properties. This amino acid position is conserved. In addition, this alteration is predicted to be deleterious by in silico analysis. Based on the available evidence, the clinical significance of this variant remains unclear.